The following continues an entry in ClinVar:

NM_001089.3(ABCA3):c.875A>T (p.Glu292Val)

Gene: ABCA3. ClinVar aggregate classification (germline): Pathogenic/Likely pathogenic. Pathogenic (15); Likely pathogenic (10).

Submissions 23 to 33 of 33:

Illumina Laboratory Services, Illumina
Classification: Pathogenic for Interstitial lung disease due to ABCA3 deficiency. Last evaluated: 2017-04-27. Review status: criteria provided, single submitter. Criteria: ICSL Variant Classification Criteria 09 May 2019. Collection method: clinical testing. Allele origin: germline.
Comment: Across a selection of the available literature the ABCA3 c.875T>A (p.Glu292Val) variant has been reported in a total of 36 patients with various pulmonary disorders, including in ten in a compound heterozygous state with a second missense or intronic variant, and in 26 in a heterozygous state in whom a second variant was not identified (Bullard et al. 2005; Garmany et al. 2008; Copertino et al. 2012; Baekvad-Hansen et al. 2012; Wambach et al. 2012). The variant was reported in three of 638 controls and at a frequency of 0.00454 in the European American population of the Exome Sequencing Project. Functional studies demonstrated that the p.Glu292Val variant exhibits correct cellular localization but moderately impaired transport function, and induces loss of epithelial cell differentiation in lung alveolar epithelia type II cells (Matsumura et al. 2008; Kaltenborn et al. 2011). Based on the collective evidence, the p.Glu292Val variant is classified as pathogenic for pulmonary surfactant metabolism dysfunction. This variant was observed by ICSL as part of a predisposition screen in an ostensibly healthy population.

Eurofins Ntd Llc (ga)
Classification: Pathogenic. Last evaluated: 2016-09-12. Review status: criteria provided, single submitter. Criteria: EGL Classification Definitions 2015. Collection method: clinical testing. Allele origin: germline. Observed: 6 variant alleles, 6 heterozygotes.

Center for Pediatric Genomic Medicine, Children's Mercy Hospital and Clinics
Classification: Pathogenic. Last evaluated: 2015-01-19. Review status: criteria provided, single submitter. Criteria: ACMG Guidelines, 2015. Collection method: clinical testing. Allele origin: germline.

Clinical Genomics Laboratory, Stanford Medicine
Classification: Pathogenic for Interstitial lung disease due to ABCA3 deficiency. Last evaluated: 2018-10-03. Review status: no assertion criteria provided. Collection method: clinical testing. Allele origin: germline. Inheritance: Autosomal recessive inheritance. Affected: yes. Not counted in ClinVar's aggregate classification.
Comment: The p.Glu292Val variant in the ABCA3 gene has been previously reported with a second ABCA3 variant in >20 unrelated individuals with a range of pulmonary phenotypes, including respiratory distress, interstitial lung disease, and pulmonary fibrosis, which most commonly presented neonatally or in early childhood (Bullard et al. 2005; Doan et al. 2008; Copertino et al. 2012; Wambach et al. 2012; Turcu et al. 2013; Soares et al. 2013; Epaud et al. 2013; Coghlan et al. 2014; Wambach et al. 2014; KrÃ¶ner et al. 2017; Akil et al. 2018). Compared to frameshift or nonsense pathogenic variants in the ABCA3 gene, the p.Glu292Val variant has been suggested to result in milder disease severity, with many individuals surviving into childhood or adulthood (Bullard et al. 2005; Copertino et al. 2012; Turcu et al. 2013; Epaud et al. 2013). Functional studies of the p.Glu292Val variant consistently demonstrate a deleterious effect and suggest a partial loss of ABCA3 protein activity (Wambach et al. 2016; Matsumura et al. 2018; Schindlbeck et al. 2018). In a large population database, the variant was identified in 543/126312 (0.43%) European chromosomes, including 3 homozygous individuals (Genome Aggregation Database). This frequency may suggest reduced penetrance of this allele. Additionally, individuals that are heterozygous for the p.Glu292Val variant are reported to have an increased risk for neonatal respiratory distress (Wambach et al. 2012 and Naderi et al. 2014). These data were assessed using the ACMG/AMP variant interpretation guidelines. In summary, there is sufficient evidence to classify the p.Glu292Val variant as pathogenic for autosomal recessive surfactant metabolism dysfunction, pulmonary, 3. [ACMG evidence codes used: PS3, PS4].

Division of Human Genetics, Children's Hospital of Philadelphia
Classification: Likely pathogenic for Surfactant metabolism dysfunction, pulmonary, 3. Last evaluated: 2015-01-08. Review status: no assertion criteria provided. Collection method: research. Allele origin: germline. Affected: no. Study: CSER-PediSeq. Not counted in ClinVar's aggregate classification.
Comment: The heterozygous variant in the ABCA3 gene (c.875A>T; p.Glu292Val) is considered likely pathogenic. According to Germany et al, the prevalence of this variant is 1:277 (PMID: 18317237) representing the most common ABCA3 variant associated with childhood interstitial lung disease. This variant has been published as a compound heterozygous variant in multiple affected individuals (PMID: 15976379, 22304854) and as a homozygous variant (PMID: 24871971). This variant represents a non-conservative amino acid change at highly conserved amino acid and nucleotide positions while not being located in a functional domain. In the ExAC database there are 271 alleles out of 121060 tested positive for this change.

Dr. Peter K. Rogan Lab, Western University
No classification provided (evidence only). Condition: Malignant tumor of urinary bladder. Review status: no classification provided. Collection method: in vitro. Allele origin: not applicable. Functional consequence: retained intron. Not counted in ClinVar's aggregate classification.

Dr. Peter K. Rogan Lab, Western University
No classification provided (evidence only). Condition: Cervical cancer. Review status: no classification provided. Collection method: in vitro. Allele origin: not applicable. Functional consequence: retained intron. Not counted in ClinVar's aggregate classification.

Dr. Peter K. Rogan Lab, Western University
No classification provided (evidence only). Condition: Cervical cancer. Review status: no classification provided. Collection method: in vitro. Allele origin: not applicable. Functional consequence: retained intron. Not counted in ClinVar's aggregate classification.

Dr. Peter K. Rogan Lab, Western University
No classification provided (evidence only). Condition: Sarcoma. Review status: no classification provided. Collection method: in vitro. Allele origin: not applicable. Functional consequence: retained intron. Not counted in ClinVar's aggregate classification.

Dr. Peter K. Rogan Lab, Western University
No classification provided (evidence only). Condition: Ovarian serous cystadenocarcinoma. Review status: no classification provided. Collection method: in vitro. Allele origin: not applicable. Functional consequence: retained intron. Not counted in ClinVar's aggregate classification.

Seattle Children's Hospital Molecular Genetics Laboratory, Seattle Children's Hospital
Classification: Pathogenic for Interstitial lung disease due to ABCA3 deficiency. Review status: no assertion criteria provided. Collection method: clinical testing. Allele origin: germline. Affected: yes. Not counted in ClinVar's aggregate classification.

Literature cited by the submitters: PubMed 23625987 (cited by 5 submitters); PubMed 24871971 (cited by 8 submitters); PubMed 15976379 (cited by 10 submitters); PubMed 18317237 (cited by 7 submitters); PubMed 23166334 (cited by 5 submitters); PubMed 29566461 (cited by 4 submitters); PubMed 33110422 (cited by Dasa and Labcorp Genetics (formerly Invitae), Labcorp); PubMed 34715861 (cited by Dasa and Labcorp Genetics (formerly Invitae), Labcorp); PubMed 35170262 (cited by Dasa and Labcorp Genetics (formerly Invitae), Labcorp); PubMed 35626240 (cited by Dasa and Labcorp Genetics (formerly Invitae), Labcorp); PubMed 18676873 (cited by 8 submitters); PubMed 22434821 (cited by 5 submitters); PubMed 27374344 (cited by 5 submitters); PubMed 28034695 (cited by Dasa and Labcorp Genetics (formerly Invitae), Labcorp); PubMed 34132118 (cited by Women's Health and Genetics/Laboratory Corporation of America, LabCorp); PubMed 32692933 (cited by Women's Health and Genetics/Laboratory Corporation of America, LabCorp); PubMed 25553246 (cited by Victorian Clinical Genetics Services, Murdoch Childrens Research Institute and Laboratory for Molecular Medicine, Mass General Brigham Personalized Medicine); PubMed 29505158 (cited by Victorian Clinical Genetics Services, Murdoch Childrens Research Institute and Johns Hopkins Genomics, Johns Hopkins University); PubMed 22866751 (cited by 3 submitters); PubMed 17597647 (cited by AiLife Diagnostics and Laboratory for Molecular Medicine, Mass General Brigham Personalized Medicine); PubMed 31589614 (cited by AiLife Diagnostics); PubMed 30609409 (cited by AiLife Diagnostics); PubMed 22304854 (cited by 4 submitters); PubMed 24136335 (cited by AiLife Diagnostics and Laboratory for Molecular Medicine, Mass General Brigham Personalized Medicine); PubMed 31980526 (cited by AiLife Diagnostics); PubMed 30755392 (cited by AiLife Diagnostics); PubMed 32238781 (cited by AiLife Diagnostics); PubMed 27516224 (cited by AiLife Diagnostics); PubMed 25073622 (cited by AiLife Diagnostics and Laboratory for Molecular Medicine, Mass General Brigham Personalized Medicine); PubMed 29431110 (cited by AiLife Diagnostics); PubMed 33526094 (cited by AiLife Diagnostics); PubMed 18603241 (cited by AiLife Diagnostics and Laboratory for Molecular Medicine, Mass General Brigham Personalized Medicine); PubMed 18246475 (cited by Laboratory for Molecular Medicine, Mass General Brigham Personalized Medicine); PubMed 22800827 (cited by Laboratory for Molecular Medicine, Mass General Brigham Personalized Medicine); PubMed 22145626 (cited by Laboratory for Molecular Medicine, Mass General Brigham Personalized Medicine); PubMed 22435821 (cited by Laboratory for Molecular Medicine, Mass General Brigham Personalized Medicine).